The following is an entry in ClinVar:

ClinVar aggregate classification (germline): Pathogenic/Likely pathogenic. Review status: criteria provided, multiple submitters, no conflicts (2 of 4 stars). 2 submissions from 2 submitters: Pathogenic (1); Likely pathogenic (1). Last evaluated 2023-08-24.

Conditions:
C2CD3-related disorders.

gnomAD v4.1: 6 of 1,613,244 alleles (0.00037%); highest among the groups gnomAD compares: South Asian, 0.0022%; no homozygotes.

Submissions (2):

Labcorp Genetics (formerly Invitae), Labcorp
Classification: Pathogenic. Last evaluated: 2023-08-24. Review status: criteria provided, single submitter. Criteria: Invitae Variant Classification Sherloc (09022015). Collection method: clinical testing. Allele origin: germline.
Comment: This sequence change creates a premature translational stop signal (p.Tyr173*) in the C2CD3 gene. It is expected to result in an absent or disrupted protein product. Loss-of-function variants in C2CD3 are known to be pathogenic (PMID: 24997988, 26477546). This variant is present in population databases (rs370615429, gnomAD 0.003%). This variant has not been reported in the literature in individuals affected with C2CD3-related conditions. Algorithms developed to predict the effect of sequence changes on RNA splicing suggest that this variant may disrupt the consensus splice site. For these reasons, this variant has been classified as Pathogenic.

Blueprint Genetics
Classification: Likely pathogenic for C2CD3-related disorders. Last evaluated: 2022-05-16. Review status: criteria provided, single submitter. Criteria: ACMG Guidelines, 2015. Collection method: clinical testing. Allele origin: germline. Affected: yes. Observed: 1 variant allele.

Literature cited by the submitters: PubMed 24997988 (cited by Labcorp Genetics (formerly Invitae), Labcorp); PubMed 26477546 (cited by Labcorp Genetics (formerly Invitae), Labcorp).

NM_001286577.2(C2CD3):c.519C>G (p.Tyr173Ter)

Gene: C2CD3 (C2 domain containing 3 centriole elongation regulator; minus strand). Cytogenetic location: 11q13.4.
Variant type: single nucleotide variant.
Coding change: c.519C>G on transcript NM_001286577.2 (MANE Select); coding-DNA position 519, C replaced by G.
Protein change: p.Tyr173Ter; replaces tyrosine 173 with a stop codon.
Molecular consequence: nonsense.
Genome position (GRCh38, 1-based): chr11:74,139,793, G>C on the plus strand (C>G on the coding strand, the complement: C2CD3 is on the minus strand). VCF-style: chr11-74139793-G-C. GRCh37 (hg19) VCF-style: chr11-73850838-G-C.
Other names: c.519C>G, p.Tyr173Ter (NM_015531.6); short protein forms Y173*.
Identifiers: ClinVar variation 2788409 (VCV002788409.4), dbSNP rs370615429, ClinGen allele CA6183198.